The following is an entry in ClinVar:

NM_003803.4(MYOM1):c.374C>G (p.Ser125Cys)

Gene: MYOM1 (myomesin 1; minus strand). Cytogenetic location: 18p11.31.
Variant type: single nucleotide variant.
Coding change: c.374C>G on transcript NM_003803.4 (MANE Select); coding-DNA position 374, C replaced by G.
Protein change: p.Ser125Cys; replaces serine 125 with cysteine.
Molecular consequence: missense variant.
Genome position (GRCh38, 1-based): chr18:3,193,875, G>C on the plus strand (C>G on the coding strand, the complement: MYOM1 is on the minus strand). VCF-style: chr18-3193875-G-C. GRCh37 (hg19) VCF-style: chr18-3193873-G-C.
Other names: c.374C>G, p.Ser125Cys (NM_019856.2); short protein forms S125C.
Identifiers: ClinVar variation 4555385 (VCV004555385.1).
Genomic context (GRCh38, chr18:3,193,875, plus strand): 5'-CACCGTCCTGAGAAAATGGGTACCATGTAGTCACTGGGCAAATTTTCTTTCTCTTCTCCA[G>C]ACAGTAGGCTGTGCTTGGCTCTCTTTGGTTTGGGGCTCAACTTGGATGAATAATCATCTA-3'
Protein context (NP_003794.3, residues 115-135): KPKRAKHSLL[Ser125Cys]GEEKENLPSD

ClinVar aggregate classification (germline): Uncertain significance (1 of 4 stars; one submission).

gnomAD v4.1: 1 of 1,613,896 alleles (0.000062%); highest among the groups gnomAD compares: Non-Finnish European, 0.000085%; no homozygotes.

Submission:

Ambry Genetics
Classification: Uncertain significance. Last evaluated: 2025-11-15. Review status: criteria provided, single submitter. Criteria: Ambry Variant Classification Scheme 2023. Collection method: clinical testing. Allele origin: germline.
Comment: The p.S125C variant (also known as c.374C>G), located in coding exon 2 of the MYOM1 gene, results from a C to G substitution at nucleotide position 374. The serine at codon 125 is replaced by cysteine, an amino acid with dissimilar properties. This amino acid position is conserved. In addition, this alteration is predicted to be tolerated by in silico analysis. Based on the available evidence, the clinical significance of this variant remains unclear.